The following is an entry in ClinVar:

ClinVar aggregate classification (germline): Uncertain significance (1 of 4 stars; one submission).

Conditions:
POLD1-related polyposis and colorectal cancer syndrome (CRCS10). Also called: COLORECTAL CANCER, SUSCEPTIBILITY TO, ON CHROMOSOME 19q; Colorectal cancer 10; Colorectal cancer, susceptibility to, 10. Identifiers: Orphanet 220460, MedGen C2675481, MONDO:0012953, OMIM 612591.

Submission:

Labcorp Genetics (formerly Invitae), Labcorp
Classification: Uncertain significance for POLD1-related polyposis and colorectal cancer syndrome. Last evaluated: 2025-05-08. Review status: criteria provided, single submitter. Criteria: Invitae Variant Classification Sherloc (09022015). Collection method: clinical testing. Allele origin: germline.
Comment: This sequence change replaces arginine, which is basic and polar, with glycine, which is neutral and non-polar, at codon 823 of the POLD1 protein (p.Arg823Gly). This variant is not present in population databases (gnomAD no frequency). This variant has not been reported in the literature in individuals affected with POLD1-related conditions. Invitae Evidence Modeling of protein sequence and biophysical properties (such as structural, functional, and spatial information, amino acid conservation, physicochemical variation, residue mobility, and thermodynamic stability) indicates that this missense variant is not expected to disrupt POLD1 protein function with a negative predictive value of 80%. In summary, the available evidence is currently insufficient to determine the role of this variant in disease. Therefore, it has been classified as a Variant of Uncertain Significance.

NM_002691.4(POLD1):c.2467C>G (p.Arg823Gly)

Gene: POLD1 (DNA polymerase delta 1, catalytic subunit; plus strand). Cytogenetic location: 19q13.33.
Variant type: single nucleotide variant.
Coding change: c.2467C>G on transcript NM_002691.4 (MANE Select); coding-DNA position 2467, C replaced by G.
Protein change: p.Arg823Gly; replaces arginine 823 with glycine.
Molecular consequence: missense variant. On other transcripts: non-coding transcript variant (1).
Genome position (GRCh38, 1-based): chr19:50,414,893, C>G. VCF-style: chr19-50414893-C-G. GRCh37 (hg19) VCF-style: chr19-50918150-C-G.
Other names: c.2467C>G, p.Arg823Gly (NM_001256849.1, NM_001438212.1, NM_001438213.1); c.2545C>G, p.Arg849Gly (NM_001308632.1); c.2395C>G, p.Arg799Gly (NM_001438210.1, NM_001438211.1); short protein forms R799G, R849G, R823G.
Identifiers: ClinVar variation 4742306 (VCV004742306.1).
Genomic context (GRCh38, chr19:50,414,893, plus strand): 5'-CTTATCAGCAAGAAGCGCTACGCGGGCCTGCTCTTCTCCTCCCGGCCCGACGCCCACGAC[C>G]GCATGGACTGCAAGGGCCTGGAGGCCGTGCGCAGGGACAACTGCCCCCTCGTGGCCAACC-3'
Protein context (NP_002682.2, residues 813-833): LFSSRPDAHD[Arg823Gly]MDCKGLEAVR